The following is an entry in ClinVar:

ClinVar aggregate classification (germline): Uncertain significance (1 of 4 stars; one submission).

Submission:

GeneDx
Classification: Uncertain significance. Last evaluated: 2026-03-27. Review status: criteria provided, single submitter. Criteria: GeneDx Variant Classification Process June 2021. Collection method: clinical testing. Allele origin: germline.
Comment: In silico analysis suggests that this missense variant does not alter protein structure/function; Has not been previously published as pathogenic or benign to our knowledge

NM_000552.5(VWF):c.4583T>C (p.Met1528Thr)

Gene: VWF (von Willebrand factor; minus strand). Cytogenetic location: 12p13.31.
Variant type: single nucleotide variant.
Coding change: c.4583T>C on transcript NM_000552.5 (MANE Select); coding-DNA position 4583, T replaced by C.
Protein change: p.Met1528Thr; replaces methionine 1528 with threonine.
Molecular consequence: missense variant.
Genome position (GRCh38, 1-based): chr12:6,018,835, A>G on the plus strand (T>C on the coding strand, the complement: VWF is on the minus strand). VCF-style: chr12-6018835-A-G. GRCh37 (hg19) VCF-style: chr12-6128001-A-G.
Other names: short protein forms M1528T.
Identifiers: ClinVar variation 5017388 (VCV005017388.1).